The following continues an entry in ClinVar:

NM_000540.3(RYR1):c.7360C>T (p.Arg2454Cys)

Gene: RYR1. ClinVar aggregate classification (germline): Pathogenic; drug response. Pathogenic (1).

Submissions 11 to 19 of 23:

Women's Health and Genetics/Laboratory Corporation of America, LabCorp
Classification: Pathogenic for Congenital multicore myopathy with external ophthalmoplegia. Last evaluated: 2025-04-10. Review status: criteria provided, single submitter. Criteria: LabCorp Variant Classification Summary - May 2015. Collection method: clinical testing. Allele origin: germline. Not counted in ClinVar's aggregate classification.
Comment: Variant summary: RYR1 c.7360C>T (p.Arg2454Cys) results in a non-conservative amino acid change in the encoded protein sequence. Four of four in-silico tools predict a damaging effect of the variant on protein function. The variant allele was found at a frequency of 1.6e-05 in 251200 control chromosomes. c.7360C>T has been observed in individual(s) affected with Malignant Hyperthermia (Brandt_1999, Monnier_2005). These data indicate that the variant is likely to be associated with disease. A different variant affecting the same codon has been classified as pathogenic by our lab (c.7361G>A, p.Arg2454His), supporting the critical relevance of codon 2454 to RYR1 protein function. More than one publication reports experimental evidence evaluating an impact on protein function and all showed that this variant results in enhanced sensitivity to Caffeine or Halothane-induced in in vitro contracture test (Brandt_1999, Monnier_2005) or caffeine-induced calcium release from ER in an in vitro cellular assay (Murayama_2016). The following publications have been ascertained in the context of this evaluation (PMID: 16958617, 10484775, 10612851, 16163667, 27586648, 27147545). ClinVar contains an entry for this variant (Variation ID: 133202). Based on the evidence outlined above, the variant was classified as pathogenic.

Color Diagnostics, LLC DBA Color Health
Classification: Likely pathogenic for Malignant hyperthermia, susceptibility to, 1. Last evaluated: 2025-03-11. Review status: criteria provided, single submitter. Criteria: ACMG Guidelines, 2015. Collection method: clinical testing. Allele origin: germline. Not counted in ClinVar's aggregate classification.
Comment: This missense variant replaces arginine with cysteine at codon 2454 of the RYR1 protein. Computational prediction suggests that this variant may have deleterious impact on protein structure and function. Functional studies have shown that this variant causes increased cellular sensitivity to caffeine compared to wild-type RYR1 (PMID: 16163667, 27586648). This variant occurs in a region of the RYR1 protein that is considered to be a hotspot for pathogenic variants that contribute to malignant hyperthermia susceptibility (PMID: 21118704). This variant has been reported in over 6 families and/or individuals affected with malignant hyperthermia susceptibility (PMID: 10484775, 10612851, 12411788, 16163667, 24433488, 25611019, 25989378, 30864471) and has been shown to segregate with disease in a small German kindred (PMID: 10484775). This variant has been identified in 4/251200 chromosomes in the general population by the Genome Aggregation Database (gnomAD). A different missense variant occurring at the same codon, p.Arg2454His, is known to cause disease (ClinVar variation ID: 65980), indicating that arginine at this position is important for RYR1 protein function. Based on the available evidence, this variant is classified as Likely Pathogenic.

GeneDx
Classification: Pathogenic. Last evaluated: 2025-01-09. Review status: criteria provided, single submitter. Criteria: GeneDx Variant Classification Process June 2021. Collection method: clinical testing. Allele origin: germline. Affected: yes. Not counted in ClinVar's aggregate classification.
Comment: Published functional studies demonstrate a damaging effect as this variant results increased excitability in response to caffeine and altered channel dynamics (PMID: 16958617); Not observed at significant frequency in large population cohorts (gnomAD); In silico analysis supports that this missense variant has a deleterious effect on protein structure/function; This variant is associated with the following publications: (PMID: 27586648, 24433488, 31447099, 12668474, 33767344, 25611019, 12411788, 10612851, 15448513, 16958617, 10484775, 29608462, 16163667, 30864471)

Molecular Genetics, Royal Melbourne Hospital
Classification: Pathogenic for Malignant hyperthermia, susceptibility to, 1. Last evaluated: 2023-03-30. Review status: criteria provided, single submitter. Criteria: ACMG Guidelines, 2015. Collection method: clinical testing. Allele origin: germline. Affected: yes. Not counted in ClinVar's aggregate classification.
Comment: This sequence change is predicted to replace arginine with cysteine at codon 2454 of the RYR1 protein, p.(Arg2454Cys). The arginine residue is evolutionarily conserved (100 vertebrates, UCSC), and located in the RYR1 cytosolic shell. There is a large physicochemical difference between arginine and cysteine. The variant is classified as a diagnostic malignant hyperthermia (MH) mutation by the European Malignant Hyperthermia Group (EMHG). It is present in a large population cohort at a frequency of 0.002% (rs193922816, 4/251,200 alleles, 0 homozygotes in gnomAD v2.1.1). The variant has been identified in multiple MH susceptible families and segregates with the condition (PMID: 10484775, 10612851, 12411788, 29608462). Further, it has been identified in association with a clinical reaction consistent with MH under anaesthesia and confirmed by a positive in vitro contracture test (PMID: 10484775), and demonstrates gain-of-function in well-established in vitro functional studies (PMID: 16163667, 27586648). Multiple lines of computational evidence predict a deleterious effect for the missense substitution (5/5 algorithms). Additionally, a different amino acid substitution at this residue (p.Arg2454His) is also an EMHG diagnostic MH mutation. Based on the classification scheme RMH Modified ACMG Guidelines v1.3.1, this variant is classified as PATHOGENIC. Following criteria are met: PS3, PM5, PP1_Moderate, PP3, PP4.

Victorian Clinical Genetics Services, Murdoch Childrens Research Institute
Classification: Pathogenic for RYR1-related myopathy. Last evaluated: 2021-05-06. Review status: criteria provided, single submitter. Criteria: ACMG Guidelines, 2015. Collection method: clinical testing. Allele origin: germline. Not counted in ClinVar's aggregate classification.
Comment: Based on the classification scheme VCGS_Germline_v1.3.4, this variant is classified as Pathogenic. Following criteria are met: 0103 - Loss of function and gain of function are known mechanisms of disease in this gene and are associated with RYR1-related myopathy. Central core disease and minicore myopathy are associated with loss of function, while a gain of function mechanism has been described in the context of malignant hyperthermia susceptibility (PMID: 27855725). (I) 0108 - This gene is associated with both recessive and dominant disease. Autosomal dominant inheritance is associated with central core disease (MIM#117000) or susceptibility to malignant hyperthermia (MIM#145600). Other phenotypes including minicore myopathy (MIM#255320) are associated with autosomal recessive inheritance (PMID: 23919265). (I) 0200 - Variant is predicted to result in a missense amino acid change from arginine to cysteine. (I) 0251 - This variant is heterozygous. (I) 0302 - Variant is present in gnomAD (v2) <0.001 for a dominant condition (4 heterozygotes, 0 homozygotes). (SP) 0309 - An alternative amino acid change at the same position has been observed in gnomAD (v2) (p.R2454H: 2 heterozygotes, 0 homozygotes). (I) 0501 - Missense variant consistently predicted to be damaging by multiple in silico tools or highly conserved with a major amino acid change. (SP) 0602 - Variant is located in a hotspot region or cluster of pathogenic variants. The variant is located in the central MH/CCD region 2 (PMID: 30406384). (SP) 0704 - Another missense variant comparable to the one identified in this case has limited previous evidence for pathogenicity. The p.R2454H variant has been classified as pathogenic in ClinVar and is also present in the European Malignant Hyperthermia Group (EMHG) database. (SP) 0801 - This variant has strong previous evidence of pathogenicity in unrelated individuals. This variant is present in the EMHG database, has been classified as pathogenic or likely pathogenic in ClinVar and has been reported in multiple individuals and families with malignant hyperthermia or malignant hyperthermia susceptibility (ClinVar; PMIDs: 10484775, 16163667, 25611019, 25989378, 30864471). (SP) 1208 - Inheritance information for this variant is not currently available in this individual. (I) Legend: (SP) - Supporting pathogenic, (I) - Information, (SB) - Supporting benign

CeGaT Center for Human Genetics Tuebingen
Classification: Pathogenic. Last evaluated: 2021-04-01. Review status: criteria provided, single submitter. Criteria: CeGaT Center For Human Genetics Tuebingen Variant Classification Criteria Version 2. Collection method: clinical testing. Allele origin: germline. Affected: yes. Observed: 3 variant alleles. Not counted in ClinVar's aggregate classification.

Blueprint Genetics
Classification: Pathogenic for RYR1-related disorders. Last evaluated: 2021-02-09. Review status: criteria provided, single submitter. Criteria: ACMG Guidelines, 2015. Collection method: clinical testing. Allele origin: germline. Affected: yes. Observed: 4 variant alleles. Not counted in ClinVar's aggregate classification.

Division of Medical Genetics, University of Washington
Classification: Pathogenic for Malignant hyperthermia, susceptibility to, 1. Last evaluated: 2020-04-09. Review status: criteria provided, single submitter. Criteria: ACMG Guidelines, 2015. Collection method: clinical testing. Allele origin: germline. Study: CSER_CHARM. Not counted in ClinVar's aggregate classification.
Comment: This variant is a known pathogenic variant in the RYR1 gene. This variant has been reported in multiple individuals and at least one family with malignant hyperthermia in the medical literature (Brandt 1999, Gencik 2000, Monnier 2002). This variant falls within a region known to be important for normal sarcoplasmic reticulum function (Bannister 2007, Murayama 2016). It has been observed in four individuals reported in the gnomAD database. Based on this evidence we interpret this as a pathogenic variant. PS4-moderate; PP3

Revvity Omics, Revvity
Classification: Pathogenic. Last evaluated: 2020-04-04. Review status: criteria provided, single submitter. Criteria: ACMG Guidelines, 2015. Collection method: clinical testing. Allele origin: germline. Not counted in ClinVar's aggregate classification.